The following is an entry in ClinVar:

ClinVar aggregate classification (germline): Uncertain significance (1 of 4 stars; one submission).

Conditions:
Familial sleep-related hypermotor epilepsy. Also called: Autosomal Dominant Sleep-Related Hypermotor (Hyperkinetic) Epilepsy. Identifiers: Orphanet 98784, MedGen C3696898, MONDO:0000030.

Submission:

Labcorp Genetics (formerly Invitae), Labcorp
Classification: Uncertain significance. Last evaluated: 2023-02-25. Review status: criteria provided, single submitter. Criteria: Invitae Variant Classification Sherloc (09022015). Collection method: clinical testing. Allele origin: unknown.
Comment: This variant has not been reported in the literature in individuals affected with CHRNA2-related conditions. In summary, the available evidence is currently insufficient to determine the role of this variant in disease. Therefore, it has been classified as a Variant of Uncertain Significance. A similar copy number variant has been observed in at least one individual who was not affected with CHRNA2-related conditions (Invitae). A copy number gain of the genomic region encompassing the full coding sequence of the CHRNA2 gene has been identified. The boundaries of this event are unknown as they extend beyond the assayed region for this gene and therefore may encompass additional genes. As the precise location of this event is unknown, it may be in tandem or it may be located elsewhere in the genome.

NC_000008.10:g.(?_27319146)_(27328575_?)dup

Gene: CHRNA2 (cholinergic receptor nicotinic alpha 2 subunit; minus strand). Cytogenetic location: 8p21.2.
Variant type: Duplication.
Identifiers: ClinVar variation 3245543 (VCV003245543.1).